The following is an entry in ClinVar:

NM_014009.4(FOXP3):c.754A>G (p.Lys252Glu)

Gene: FOXP3 (forkhead box P3; minus strand). Cytogenetic location: Xp11.23.
Variant type: single nucleotide variant.
Coding change: c.754A>G on transcript NM_014009.4 (MANE Select); coding-DNA position 754, A replaced by G.
Protein change: p.Lys252Glu; replaces lysine 252 with glutamic acid.
Molecular consequence: missense variant.
Genome position (GRCh38, 1-based): chrX:49,255,491, T>C on the plus strand (A>G on the coding strand, the complement: FOXP3 is on the minus strand). VCF-style: chrX-49255491-T-C. GRCh37 (hg19) VCF-style: chrX-49111952-T-C.
Other names: c.649A>G, p.Lys217Glu (NM_001114377.2); short protein forms K217E, K252E.
Identifiers: ClinVar variation 1055918 (VCV001055918.9), dbSNP rs2147947305, ClinGen allele CA412950993.

ClinVar aggregate classification (germline): Uncertain significance (1 of 4 stars; one submission).

Conditions:
Insulin-dependent diabetes mellitus secretory diarrhea syndrome (IPEX). Also called: IPEX and IPEX-Like; Immune dysregulation-polyendocrinopathy-enteropathy-X-linked syndrome; IMMUNODEFICIENCY, POLYENDOCRINOPATHY, AND ENTEROPATHY, X-LINKED; DIABETES MELLITUS, CONGENITAL INSULIN-DEPENDENT, WITH FATAL SECRETORY DIARRHEA; DIARRHEA, POLYENDOCRINOPATHY, FATAL INFECTION SYNDROME, X-LINKED; ENTEROPATHY, AUTOIMMUNE, WITH HEMOLYTIC ANEMIA AND POLYENDOCRINOPATHY. Identifiers: Orphanet 37042, MedGen C0342288, MONDO:0010580, OMIM 304790. Disease mechanism: loss of function.

Submission:

Labcorp Genetics (formerly Invitae), Labcorp
Classification: Uncertain significance for Insulin-dependent diabetes mellitus secretory diarrhea syndrome. Last evaluated: 2021-02-26. Review status: criteria provided, single submitter. Criteria: Invitae Variant Classification Sherloc (09022015). Collection method: clinical testing. Allele origin: germline.
Comment: In summary, the available evidence is currently insufficient to determine the role of this variant in disease. Therefore, it has been classified as a Variant of Uncertain Significance. Algorithms developed to predict the effect of missense changes on protein structure and function are either unavailable or do not agree on the potential impact of this missense change (SIFT: "Deleterious"; PolyPhen-2: "Probably Damaging"; Align-GVGD: "Class C0"). This variant has been observed in individual(s) with clinical features consistent with X-linked recessive immunodysregulation, polyendocrinopathy, and enteropathy (IPEX) syndrome (Invitae). This variant is not present in population databases (ExAC no frequency). This sequence change replaces lysine with glutamic acid at codon 252 of the FOXP3 protein (p.Lys252Glu). The lysine residue is moderately conserved and there is a small physicochemical difference between lysine and glutamic acid.